The following is an entry in ClinVar:

NM_000432.4(MYL2):c.376C>G (p.Gln126Glu)

Gene: MYL2 (myosin light chain 2; minus strand). Cytogenetic location: 12q24.11.
Variant type: single nucleotide variant.
Coding change: c.376C>G on transcript NM_000432.4 (MANE Select); coding-DNA position 376, C replaced by G.
Protein change: p.Gln126Glu; replaces glutamine 126 with glutamic acid.
Molecular consequence: missense variant.
Genome position (GRCh38, 1-based): chr12:110,913,122, G>C on the plus strand (C>G on the coding strand, the complement: MYL2 is on the minus strand). VCF-style: chr12-110913122-G-C. GRCh37 (hg19) VCF-style: chr12-111350926-G-C.
Other names: short protein forms Q126E.
Identifiers: ClinVar variation 423350 (VCV000423350.16), dbSNP rs1064796377, ClinGen allele CA16619434.

ClinVar aggregate classification (germline): Uncertain significance. Review status: reviewed by expert panel (3 of 4 stars). 7 submissions from 7 submitters: Uncertain significance (1). 6 of the submissions do not count toward it. Last evaluated 2025-11-13.

Conditions:
Myopathy, myofibrillar, 12, infantile-onset, with cardiomyopathy. Identifiers: MedGen C5561937, MONDO:0859168, OMIM 619424.
Hypertrophic cardiomyopathy 10. Also called: CARDIOMYOPATHY, HYPERTROPHIC, MID-LEFT VENTRICULAR CHAMBER TYPE, 2; MYL2-Related Familial Hypertrophic Cardiomyopathy. Identifiers: MedGen C1834460, MONDO:0012112, OMIM 608758.
Hypertrophic cardiomyopathy. Also called: HYPERTROPHIC MYOCARDIOPATHY. Identifiers: Orphanet 217569, MedGen C0007194, MeSH D002312, MONDO:0005045, HP:0001639.
Cardiomyopathy (CMYO). Also called: Cardiomyopathies. Identifiers: Orphanet 167848, MedGen C0878544, MONDO:0004994, HP:0001638. Inheritance: Various modes of inheritance.

Allele frequency attached by ClinVar (database versions not stated): gnomAD exomes below 0.00001.

Submissions (7):

ClinGen Cardiomyopathy Variant Curation Expert Panel
Classification: Uncertain significance for Hypertrophic cardiomyopathy. Last evaluated: 2025-11-13. Review status: reviewed by expert panel. Criteria: ClinGen CMP ACMG Specifications MYL2 V1.0.0. Collection method: curation. Allele origin: germline. Inheritance: Autosomal dominant inheritance.
Comment: NM_000432.4(MYL2):c.376C>G (p.Gln126Glu) - This variant has been reported in association with HCM (PMIDs: 25351510), but is not statistically increased in HCM compared to controls [OR lower 95% CI <5]. Therefore, the PS4 criterion has not been applied. This variant is absent from gnomAD v2.1.1 (PM2_Supporting). Computational prediction tools are inconclusive about the potential impact of this variant (REVEL score <0.7). In summary, this variant is classified as Uncertain Significance for HCM in an autosomal dominant manner based on PM2_Supporting.

Color Diagnostics, LLC DBA Color Health
Classification: Uncertain significance for Cardiomyopathy. Last evaluated: 2025-07-22. Review status: criteria provided, single submitter. Criteria: ACMG Guidelines, 2015. Collection method: clinical testing. Allele origin: germline. Not counted in ClinVar's aggregate classification.
Comment: This missense variant replaces glutamine with glutamic acid at codon 126 of the MYL2 protein. Computational prediction suggests that this variant may not impact protein structure and function. To our knowledge, functional studies have not been reported for this variant. This variant has been reported in individuals affected with hypertrophic cardiomyopathy (PMID: 25351510, 38757491). This variant has not been identified in the general population by the Genome Aggregation Database (gnomAD). The available evidence is insufficient to determine the role of this variant in disease conclusively. Therefore, this variant is classified as a Variant of Uncertain Significance.

Labcorp Genetics (formerly Invitae), Labcorp
Classification: Uncertain significance for Hypertrophic cardiomyopathy 10. Last evaluated: 2025-06-11. Review status: criteria provided, single submitter. Criteria: Invitae Variant Classification Sherloc (09022015). Collection method: clinical testing. Allele origin: germline. Not counted in ClinVar's aggregate classification.
Comment: This sequence change replaces glutamine, which is neutral and polar, with glutamic acid, which is acidic and polar, at codon 126 of the MYL2 protein (p.Gln126Glu). This variant is not present in population databases (gnomAD no frequency). This missense change has been observed in individual(s) with hypertrophic cardiomyopathy (PMID: 25351510, 37652022; internal data). ClinVar contains an entry for this variant (Variation ID: 423350). An algorithm developed to predict the effect of missense changes on protein structure and function (PolyPhen-2) suggests that this variant is likely to be disruptive. In summary, the available evidence is currently insufficient to determine the role of this variant in disease. Therefore, it has been classified as a Variant of Uncertain Significance.

Blueprint Genetics
Classification: Uncertain significance. Last evaluated: 2023-01-27. Review status: criteria provided, single submitter. Criteria: ACMG Guidelines, 2015. Collection method: clinical testing. Allele origin: germline. Not counted in ClinVar's aggregate classification.

Fulgent Genetics
Classification: Uncertain significance for Hypertrophic cardiomyopathy 10; Myopathy, myofibrillar, 12, infantile-onset, with cardiomyopathy. Last evaluated: 2021-08-26. Review status: criteria provided, single submitter. Criteria: ACMG Guidelines, 2015. Collection method: clinical testing. Allele origin: unknown. Not counted in ClinVar's aggregate classification.

GeneDx
Classification: Uncertain significance. Last evaluated: 2018-07-23. Review status: criteria provided, single submitter. Criteria: GeneDx Variant Classification (06012015). Collection method: clinical testing. Allele origin: germline. Affected: yes. Not counted in ClinVar's aggregate classification.
Comment: A variant of uncertain significance has been identified in the MYL2 gene. The Q126E variant has been reported in one patient with HCM (Lopes et al., 2015); however, additional clinical details were not provided. This variant is not observed in large population cohorts (Lek et al., 2016; 1000 Genomes Consortium et al., 2015; Exome Variant Server). The Q126E variant is a semi-conservative amino acid substitution, which may impact secondary protein structure as these residues differ in some properties. This substitution occurs at a position that is conserved across species, and several in silico algorithms predict this variant is probably damaging to the protein structure/function. However, to our knowledge no studies have been performed to determine the functional effect of the Q126E variant.

CHEO Genetics Diagnostic Laboratory, Children's Hospital of Eastern Ontario
Classification: Uncertain significance for Cardiomyopathy. Last evaluated: 2018-03-21. Review status: criteria provided, single submitter. Criteria: ACMG Guidelines, 2015. Collection method: clinical testing. Allele origin: germline. Not counted in ClinVar's aggregate classification.

Literature cited by the submitters: PubMed 25351510 (cited by Color Diagnostics, LLC DBA Color Health and Labcorp Genetics (formerly Invitae), Labcorp); PubMed 38757491 (cited by Color Diagnostics, LLC DBA Color Health); PubMed 37652022 (cited by Labcorp Genetics (formerly Invitae), Labcorp).